The following is an entry in ClinVar:

ClinVar aggregate classification (germline): Uncertain significance (1 of 4 stars; one submission).

Conditions:
LEPR-related disorder. Also called: LEPR-related condition; LEPR-related disorders.

gnomAD v4.1: 2 of 1,613,184 alleles (0.00012%); highest among the groups gnomAD compares: Admixed American, 0.0017%; no homozygotes.

Submission:

PreventionGenetics, part of Exact Sciences
Classification: Uncertain significance for LEPR-related condition. Last evaluated: 2025-02-27. Review status: criteria provided, single submitter. Criteria: ACMG Guidelines, 2015. Collection method: clinical testing. Allele origin: germline.
Comment: The LEPR c.2510A>G variant is predicted to result in the amino acid substitution p.Gln837Arg. This variant was observed in a cohort of individuals with obesity, and in vitro functional studies showed function similar to wild-type levels (Supplemental Data Set, Shah et al. 2023. PubMed ID: 36864747). This variant is reported in 0.0029% of alleles in individuals of Latino descent in gnomAD. At this time, the clinical significance of this variant is uncertain due to the absence of conclusive functional and genetic evidence.

NM_002303.6(LEPR):c.2510A>G (p.Gln837Arg)

Gene: LEPR (leptin receptor; plus strand). Cytogenetic location: 1p31.3.
Variant type: single nucleotide variant.
Coding change: c.2510A>G on transcript NM_002303.6 (MANE Select); coding-DNA position 2510, A replaced by G.
Protein change: p.Gln837Arg; replaces glutamine 837 with arginine.
Molecular consequence: missense variant.
Genome position (GRCh38, 1-based): chr1:65,621,371, A>G. VCF-style: chr1-65621371-A-G. GRCh37 (hg19) VCF-style: chr1-66087054-A-G.
Other names: c.2510A>G, p.Gln837Arg (NM_001003679.3, NM_001003680.3, NM_001198687.2 and 2 more transcripts); short protein forms Q837R.
Identifiers: ClinVar variation 4980050 (VCV004980050.1).